The following is an entry in ClinVar:

ClinVar aggregate classification (germline): Conflicting classifications of pathogenicity. Review status: criteria provided, conflicting classifications (1 of 4 stars). 4 submissions from 4 submitters: Uncertain significance (1); Likely benign (2). 1 of the submissions does not count toward it. Last evaluated 2026-02-10.

Conditions:
BCAP31-related disorder. Also called: BCAP31-related condition.
Inborn genetic diseases. Identifiers: MedGen C0950123, MeSH D030342.
Microcephaly. Also called: Microcephaly (disease). Identifiers: MedGen C4551563, MONDO:0001149, HP:0000252.

Allele frequency attached by ClinVar (database versions not stated): gnomAD 0.00001; gnomAD exomes 0.00002 and 0.00004; ExAC 0.00007; TOPMed 0.00009.
gnomAD v4.1: 28 of 1,205,078 alleles (0.0023%); highest among the groups gnomAD compares: East Asian, 0.078%; no homozygotes.

Submissions (4):

PreventionGenetics, part of Exact Sciences
Classification: Likely benign for BCAP31-related condition. Last evaluated: 2026-02-10. Review status: criteria provided, single submitter. Criteria: ACMG Guidelines, 2015. Collection method: clinical testing. Allele origin: germline.
Comment: This variant is classified as likely benign based on ACMG/AMP sequence variant interpretation guidelines (Richards et al. 2015 PMID: 25741868, with internal and published modifications).

Labcorp Genetics (formerly Invitae), Labcorp
Classification: Uncertain significance. Last evaluated: 2025-03-29. Review status: criteria provided, single submitter. Criteria: Invitae Variant Classification Sherloc (09022015). Collection method: clinical testing. Allele origin: germline.
Comment: This sequence change replaces aspartic acid, which is acidic and polar, with valine, which is neutral and non-polar, at codon 238 of the BCAP31 protein (p.Asp238Val). This variant is present in population databases (rs782155363, gnomAD 0.05%). This variant has not been reported in the literature in individuals affected with BCAP31-related conditions. ClinVar contains an entry for this variant (Variation ID: 813609). An algorithm developed to predict the effect of missense changes on protein structure and function (PolyPhen-2) suggests that this variant is likely to be tolerated. Algorithms developed to predict the effect of sequence changes on RNA splicing suggest that this variant may disrupt the consensus splice site. In summary, the available evidence is currently insufficient to determine the role of this variant in disease. Therefore, it has been classified as a Variant of Uncertain Significance.

Ambry Genetics
Classification: Likely benign for Inborn genetic diseases. Last evaluated: 2023-06-23. Review status: criteria provided, single submitter. Criteria: Ambry Variant Classification Scheme 2023. Collection method: clinical testing. Allele origin: germline.

Department of Pediatrics, Samsung Medical Center, Samsung Medical Center
Classification: Uncertain significance for Microcephaly. Review status: no assertion criteria provided. Criteria: ACMG Guidelines, 2015. Collection method: research. Allele origin: germline. Affected: yes. Not counted in ClinVar's aggregate classification.

NM_001256447.2(BCAP31):c.713A>T (p.Asp238Val)

Gene: BCAP31 (B cell receptor associated protein 31; minus strand). Cytogenetic location: Xq28.
Variant type: single nucleotide variant.
Coding change: c.713A>T on transcript NM_001256447.2 (MANE Select); coding-DNA position 713, A replaced by T.
Protein change: p.Asp238Val; replaces aspartic acid 238 with valine.
Molecular consequence: missense variant.
Genome position (GRCh38, 1-based): chrX:153,700,965, T>A on the plus strand (A>T on the coding strand, the complement: BCAP31 is on the minus strand). VCF-style: chrX-153700965-T-A. GRCh37 (hg19) VCF-style: chrX-152966420-T-A.
Other names: c.914A>T, p.Asp305Val (NM_001139457.2); c.713A>T, p.Asp238Val (NM_005745.8, NM_001139441.1); c.914A>T (NM_001139457.1); short protein forms D238V, D305V.
Identifiers: ClinVar variation 813609 (VCV000813609.10), dbSNP rs782155363, ClinGen allele CA10549701.